The following is an entry in ClinVar:

NM_017866.6(TMEM70):c.500T>C (p.Val167Ala)

Gene: TMEM70 (transmembrane protein 70; plus strand). Cytogenetic location: 8q21.11.
Variant type: single nucleotide variant.
Coding change: c.500T>C on transcript NM_017866.6 (MANE Select); coding-DNA position 500, T replaced by C.
Protein change: p.Val167Ala; replaces valine 167 with alanine.
Molecular consequence: missense variant. On other transcripts: 3 prime UTR variant (1), non-coding transcript variant (1).
Genome position (GRCh38, 1-based): chr8:73,981,338, T>C. VCF-style: chr8-73981338-T-C. GRCh37 (hg19) VCF-style: chr8-74893573-T-C.
Other names: c.*190T>C (NM_001040613.3); short protein forms V167A.
Identifiers: ClinVar variation 471957 (VCV000471957.6), dbSNP rs1010253072, ClinGen allele CA179294276.

ClinVar aggregate classification (germline): Uncertain significance (1 of 4 stars; one submission).

Conditions:
Mitochondrial complex V (ATP synthase) deficiency, nuclear type 2. Also called: Nuclear-Encoded ATPase Deficiency, TMEM70-Related; ENCEPHALOCARDIOMYOPATHY, MITOCHONDRIAL, NEONATAL, DUE TO ATP SYNTHASE DEFICIENCY; MITOCHONDRIAL COMPLEX V (ATP SYNTHASE) DEFICIENCY, TMEM70 TYPE. Identifiers: Orphanet 1194, MedGen C3279699, MONDO:0013546, OMIM 614052.

Allele frequency attached by ClinVar (database versions not stated): TOPMed 0.00001; gnomAD exomes 0.00004 and 0.00001; gnomAD 0.00001.

Submission:

Labcorp Genetics (formerly Invitae), Labcorp
Classification: Uncertain significance for Mitochondrial complex V (ATP synthase) deficiency, nuclear type 2. Last evaluated: 2022-03-24. Review status: criteria provided, single submitter. Criteria: Invitae Variant Classification Sherloc (09022015). Collection method: clinical testing. Allele origin: germline.
Comment: This sequence change replaces valine, which is neutral and non-polar, with alanine, which is neutral and non-polar, at codon 167 of the TMEM70 protein (p.Val167Ala). This variant is present in population databases (no rsID available, gnomAD 0.003%). This variant has not been reported in the literature in individuals affected with TMEM70-related conditions. ClinVar contains an entry for this variant (Variation ID: 471957). Algorithms developed to predict the effect of missense changes on protein structure and function are either unavailable or do not agree on the potential impact of this missense change (SIFT: "Tolerated"; PolyPhen-2: "Probably Damaging"; Align-GVGD: "Class C0"). In summary, the available evidence is currently insufficient to determine the role of this variant in disease. Therefore, it has been classified as a Variant of Uncertain Significance.